The following is an entry in ClinVar:

NM_000760.4(CSF3R):c.1286-3C>T

Gene: CSF3R (colony stimulating factor 3 receptor; minus strand). Cytogenetic location: 1p34.3.
Variant type: single nucleotide variant.
Coding change: c.1286-3C>T on transcript NM_000760.4 (MANE Select); 3 bases into the intron before coding-DNA position 1286, C replaced by T.
Molecular consequence: intron variant.
Genome position (GRCh38, 1-based): chr1:36,469,843, G>A on the plus strand (C>T on the coding strand, the complement: CSF3R is on the minus strand). VCF-style: chr1-36469843-G-A. GRCh37 (hg19) VCF-style: chr1-36935444-G-A.
Other names: c.1286-3C>T (LRG_144t1, NM_156039.3, NM_172313.3).
Identifiers: ClinVar variation 542861 (VCV000542861.11), dbSNP rs778391319, ClinGen allele CA769224.

ClinVar aggregate classification (germline): Conflicting classifications of pathogenicity. Review status: criteria provided, conflicting classifications (1 of 4 stars). 3 submissions from 3 submitters: Uncertain significance (2); Benign (1). Last evaluated 2025-12-15.

Conditions:
Autosomal recessive severe congenital neutropenia due to CSF3R deficiency. Also called: Neutropenia, severe congenital, 7, autosomal recessive. Identifiers: Orphanet 420702, MedGen C4310764, MONDO:0014865, OMIM 617014.

Allele frequency attached by ClinVar (database versions not stated): ExAC 0.00001; gnomAD exomes 0.00001; TOPMed 0.00001.
gnomAD v4.1: 17 of 1,613,892 alleles (0.0011%); highest among the groups gnomAD compares: Middle Eastern, 0.099%; no homozygotes.

Submissions (3):

Labcorp Genetics (formerly Invitae), Labcorp
Classification: Benign for Autosomal recessive severe congenital neutropenia due to CSF3R deficiency. Last evaluated: 2025-12-15. Review status: criteria provided, single submitter. Criteria: Invitae Variant Classification Sherloc (09022015). Collection method: clinical testing. Allele origin: germline.

Genetic Services Laboratory, University of Chicago
Classification: Uncertain significance. Last evaluated: 2020-06-15. Review status: criteria provided, single submitter. Criteria: ACMG Guidelines, 2015. Collection method: clinical testing. Allele origin: germline. Affected: no.
Comment: DNA sequence analysis of the CSF3R gene demonstrated a sequence change in intron 10, c.1286-3C>T. This change does not appear to have been previously described in patients with CSF3R-related disorders and has been described in two individuals in the gnomAD database (dbSNP rs778391319). This sequence change affects a weakly conserved nucleotide and is not clearly predicted to have a deleterious effect on splicing based on in silico splice prediction programs. It is possible that this sequence change represents a benign sequence change in the CSF3R gene that has not been identified to date. The functional significance of this sequence change is not known at present and its contribution to this patient's disease phenotype cannot definitively be determined.

Breakthrough Genomics
Classification: Uncertain significance. Review status: criteria provided, single submitter. Criteria: ACMG Guidelines, 2015. Collection method: not provided. Allele origin: germline. Inheritance: Autosomal recessive inheritance. Affected: yes.